The following is an entry in ClinVar:

ClinVar aggregate classification (germline): Uncertain significance (1 of 4 stars; one submission).

Submission:

Ambry Genetics
Classification: Uncertain significance. Last evaluated: 2021-12-10. Review status: criteria provided, single submitter. Criteria: Ambry Variant Classification Scheme 2023. Collection method: clinical testing. Allele origin: germline.
Comment: The p.K163T variant (also known as c.488A>C), located in coding exon 1 of the PALLD gene, results from an A to C substitution at nucleotide position 488. The lysine at codon 163 is replaced by threonine, an amino acid with similar properties. This amino acid position is conserved. In addition, this alteration is predicted to be tolerated by in silico analysis. Since supporting evidence is limited at this time, the clinical significance of this alteration remains unclear.

NM_001166108.2(PALLD):c.1965-12543A>C

Gene: PALLD (palladin, cytoskeletal associated protein; plus strand). Cytogenetic location: 4q32.3.
Variant type: single nucleotide variant.
Coding change: c.1965-12543A>C on transcript NM_001166108.2 (MANE Select); 12543 bases into the intron before coding-DNA position 1965, A replaced by C.
Molecular consequence: intron variant. On other transcripts: missense variant (1).
Genome position (GRCh38, 1-based): chr4:168,878,379, A>C. VCF-style: chr4-168878379-A-C. GRCh37 (hg19) VCF-style: chr4-169799530-A-C.
Other names: c.488A>C, p.Lys163Thr (NM_001166110.2); c.1965-12543A>C (NM_016081.4); c.819-12543A>C (NM_001166109.2); c.-157-12543A>C (NM_001367570.1, NM_001367568.1, NM_001367567.1 and 1 more transcripts); short protein forms K163T.
Identifiers: ClinVar variation 1743834 (VCV001743834.2), dbSNP rs969187093, ClinGen allele CA358796773.